The following is an entry in ClinVar:

ClinVar aggregate classification (germline): Conflicting classifications of pathogenicity. Review status: criteria provided, conflicting classifications (1 of 4 stars). 12 submissions from 12 submitters: Uncertain significance (1); Likely benign (8). 3 of the submissions do not count toward it. Last evaluated 2026-06-01.

Conditions:
Familial thoracic aortic aneurysm and aortic dissection (TAAD). Also called: Thoracic aortic aneurysms and dissections. Identifiers: Orphanet 91387, MedGen C4707243, MONDO:0019625.
Aortic aneurysm, familial thoracic 4 (AAT4). Also called: AORTIC ANEURYSM/AORTIC DISSECTION AND PATENT DUCTUS ARTERIOSUS. Identifiers: MedGen C1851504, MONDO:0007568, OMIM 132900.
MYH11-related disorder. Also called: MYH11-related condition.

Allele frequency attached by ClinVar (database versions not stated): gnomAD 0.00009 and 0.00019; TOPMed 0.00009; ESP Exome Variant Server 0.00015; ExAC 0.00073; 1000 Genomes Project 30x 0.00109; 1000 Genomes Project 0.00120.
gnomAD v4.1: 512 of 1,604,814 alleles (0.032%); highest among the groups gnomAD compares: South Asian, 0.31%; 8 homozygotes.

Submissions (12):

CeGaT Center for Human Genetics Tuebingen
Classification: Likely benign. Last evaluated: 2026-06-01. Review status: criteria provided, single submitter. Criteria: CeGaT Center For Human Genetics Tuebingen Variant Classification Criteria Version 2. Collection method: clinical testing. Allele origin: germline. Affected: yes. Observed: 12 variant alleles.
Comment: MYH11: BS2

Labcorp Genetics (formerly Invitae), Labcorp
Classification: Likely benign for Aortic aneurysm, familial thoracic 4. Last evaluated: 2026-01-14. Review status: criteria provided, single submitter. Criteria: Invitae Variant Classification Sherloc (09022015). Collection method: clinical testing. Allele origin: germline.

Blueprint Genetics
Classification: Likely benign. Last evaluated: 2024-11-25. Review status: criteria provided, single submitter. Criteria: ACMG Guidelines, 2015. Collection method: clinical testing. Allele origin: germline.

Women's Health and Genetics/Laboratory Corporation of America, LabCorp
Classification: Likely benign. Last evaluated: 2023-07-21. Review status: criteria provided, single submitter. Criteria: LabCorp Variant Classification Summary - May 2015. Collection method: clinical testing. Allele origin: germline.

GeneDx
Classification: Likely benign. Last evaluated: 2019-03-22. Review status: criteria provided, single submitter. Criteria: GeneDx Variant Classification Process June 2021. Collection method: clinical testing. Allele origin: germline. Affected: yes.

Color Diagnostics, LLC DBA Color Health
Classification: Likely benign for Familial thoracic aortic aneurysm and aortic dissection. Last evaluated: 2018-07-22. Review status: criteria provided, single submitter. Criteria: ACMG Guidelines, 2015. Collection method: clinical testing. Allele origin: germline.

Ambry Genetics
Classification: Likely benign for Familial thoracic aortic aneurysm and aortic dissection. Last evaluated: 2018-02-05. Review status: criteria provided, single submitter. Criteria: Ambry Variant Classification Scheme 2023. Collection method: clinical testing. Allele origin: germline.

Illumina Laboratory Services, Illumina
Classification: Likely benign for Aortic aneurysm, familial thoracic 4. Last evaluated: 2018-01-12. Review status: criteria provided, single submitter. Criteria: ICSL Variant Classification Criteria 13 December 2019. Collection method: clinical testing. Allele origin: germline.
Comment: This variant was observed in the ICSL laboratory as part of a predisposition screen in an ostensibly healthy population. It had not been previously curated by ICSL or reported in the Human Gene Mutation Database (HGMD: prior to June 1st, 2018), and was therefore a candidate for classification through an automated scoring system. Utilizing variant allele frequency, disease prevalence and penetrance estimates, and inheritance mode, an automated score was calculated to assess if this variant is too frequent to cause the disease. Based on the score and internal cut-off values, a variant classified as likely benign is not then subjected to further curation. The score for this variant resulted in a classification of likely benign for this disease.

CHEO Genetics Diagnostic Laboratory, Children's Hospital of Eastern Ontario
Classification: Uncertain significance for Familial thoracic aortic aneurysm and aortic dissection. Last evaluated: 2016-04-18. Review status: criteria provided, single submitter. Criteria: ACMG Guidelines, 2015. Collection method: clinical testing. Allele origin: germline. Study: Canadian Open Genetics Repository.

PreventionGenetics, part of Exact Sciences
Classification: Likely benign for MYH11-related condition. Last evaluated: 2019-04-04. Review status: no assertion criteria provided. Collection method: clinical testing. Allele origin: germline. Not counted in ClinVar's aggregate classification.
Comment: This variant is classified as likely benign based on ACMG/AMP sequence variant interpretation guidelines (Richards et al. 2015 PMID: 25741868, with internal and published modifications).

Clinical Genetics DNA and cytogenetics Diagnostics Lab, Erasmus MC, Erasmus Medical Center
Classification: Likely benign. Review status: no assertion criteria provided. Collection method: clinical testing. Allele origin: germline. Affected: yes. Study: VKGL Data-share Consensus. Not counted in ClinVar's aggregate classification.

Genome Diagnostics Laboratory, University Medical Center Utrecht
Classification: Likely benign. Review status: no assertion criteria provided. Collection method: clinical testing. Allele origin: germline. Affected: yes. Study: VKGL Data-share Consensus. Not counted in ClinVar's aggregate classification.

NM_002474.3(MYH11):c.5226G>C (p.Glu1742Asp)

Genes: MYH11 (myosin heavy chain 11; minus strand), NDE1 (nudE neurodevelopment protein 1; plus strand). Cytogenetic location: 16p13.11.
Variant type: single nucleotide variant.
Coding change: c.5226G>C on transcript NM_002474.3 (MANE Select); coding-DNA position 5226, G replaced by C.
Protein change: p.Glu1742Asp; replaces glutamic acid 1742 with aspartic acid.
Molecular consequence: missense variant. On other transcripts: intron variant (2).
Genome position (GRCh38, 1-based): chr16:15,718,384, C>G on the plus strand (G>C on the coding strand, the complement: MYH11 is on the minus strand). VCF-style: chr16-15718384-C-G. GRCh37 (hg19) VCF-style: chr16-15812241-C-G.
Other names: c.5247G>C, p.Glu1749Asp (NM_001040113.2, NM_001040114.2); c.5226G>C, p.Glu1742Asp (NM_022844.3); c.948-5807C>G (NM_001143979.2, NM_017668.3); short protein forms E1749D, E1742D.
Identifiers: ClinVar variation 318101 (VCV000318101.63), dbSNP rs144421849, ClinGen allele CA7921361.